The following is an entry in ClinVar:

ClinVar aggregate classification (germline): Uncertain significance (1 of 4 stars; one submission).

Allele frequency attached by ClinVar (database versions not stated): gnomAD exomes 0.00001; TOPMed 0.00001; ExAC 0.00002.
gnomAD v4.1: 12 of 1,568,872 alleles (0.00076%); highest among the groups gnomAD compares: Admixed American, 0.017%; no homozygotes.

Submission:

Labcorp Genetics (formerly Invitae), Labcorp
Classification: Uncertain significance. Last evaluated: 2025-09-21. Review status: criteria provided, single submitter. Criteria: Invitae Variant Classification Sherloc (09022015). Collection method: clinical testing. Allele origin: germline.
Comment: This sequence change replaces asparagine, which is neutral and polar, with tyrosine, which is neutral and polar, at codon 50 of the POLE2 protein (p.Asn50Tyr). This variant is present in population databases (rs763308866, gnomAD 0.03%). This variant has not been reported in the literature in individuals affected with POLE2-related conditions. ClinVar contains an entry for this variant (Variation ID: 2728979). An algorithm developed to predict the effect of missense changes on protein structure and function (PolyPhen-2) suggests that this variant is likely to be tolerated. In summary, the available evidence is currently insufficient to determine the role of this variant in disease. Therefore, it has been classified as a Variant of Uncertain Significance.

NM_002692.4(POLE2):c.148A>T (p.Asn50Tyr)

Gene: POLE2 (DNA polymerase epsilon 2, accessory subunit; minus strand). Cytogenetic location: 14q21.3.
Variant type: single nucleotide variant.
Coding change: c.148A>T on transcript NM_002692.4 (MANE Select); coding-DNA position 148, A replaced by T.
Protein change: p.Asn50Tyr; replaces asparagine 50 with tyrosine.
Molecular consequence: missense variant. On other transcripts: 5 prime UTR variant (1).
Genome position (GRCh38, 1-based): chr14:49,683,614, T>A on the plus strand (A>T on the coding strand, the complement: POLE2 is on the minus strand). VCF-style: chr14-49683614-T-A. GRCh37 (hg19) VCF-style: chr14-50150332-T-A.
Other names: c.148A>T, p.Asn50Tyr (NM_001197330.2, NM_001197331.3, NM_001348384.2); c.-88A>T (NM_001348385.2); short protein forms N50Y.
Identifiers: ClinVar variation 2728979 (VCV002728979.3), dbSNP rs763308866, ClinGen allele CA7173737.